The following is an entry in ClinVar:

ClinVar aggregate classification (germline): Uncertain significance (1 of 4 stars; one submission).

gnomAD v4.1: 20 of 1,565,944 alleles (0.0013%); highest among the groups gnomAD compares: African/African-American, 0.0027%; no homozygotes.

Submission:

Labcorp Genetics (formerly Invitae), Labcorp
Classification: Uncertain significance. Last evaluated: 2024-10-02. Review status: criteria provided, single submitter. Criteria: Invitae Variant Classification Sherloc (09022015). Collection method: clinical testing. Allele origin: germline.
Comment: This sequence change affects codon 6 of the GPR45 mRNA. It is a 'silent' change, meaning that it does not change the encoded amino acid sequence of the GPR45 protein. This variant is not present in population databases (gnomAD no frequency). This variant has not been reported in the literature in individuals affected with GPR45-related conditions. In summary, the available evidence is currently insufficient to determine the role of this variant in disease. Therefore, it has been classified as a Variant of Uncertain Significance.

NM_007227.3(GPR45):c.18G>A (p.Thr6=)

Gene: GPR45 (G protein-coupled receptor 45; plus strand). Cytogenetic location: 2q12.1.
Variant type: single nucleotide variant.
Coding change: c.18G>A on transcript NM_007227.3 (MANE Select); coding-DNA position 18, G replaced by A.
Protein change: p.Thr6=; no amino-acid change (threonine 6 retained).
Molecular consequence: synonymous variant.
Genome position (GRCh38, 1-based): chr2:105,241,876, G>A. VCF-style: chr2-105241876-G-A. GRCh37 (hg19) VCF-style: chr2-105858333-G-A.
Identifiers: ClinVar variation 3674775 (VCV003674775.2).